The following is an entry in ClinVar:

NM_001035.3(RYR2):c.1947G>A (p.Val649=)

Gene: RYR2 (ryanodine receptor 2; plus strand). Cytogenetic location: 1q43.
Variant type: single nucleotide variant.
Coding change: c.1947G>A on transcript NM_001035.3 (MANE Select); coding-DNA position 1947, G replaced by A.
Protein change: p.Val649=; no amino-acid change (valine 649 retained).
Molecular consequence: synonymous variant.
Genome position (GRCh38, 1-based): chr1:237,493,073, G>A. VCF-style: chr1-237493073-G-A. GRCh37 (hg19) VCF-style: chr1-237656373-G-A.
Identifiers: ClinVar variation 925181 (VCV000925181.12), dbSNP rs1663593634, ClinGen allele CA423817159.

ClinVar aggregate classification (germline): Likely benign. Review status: criteria provided, multiple submitters, no conflicts (2 of 4 stars). 3 submissions from 3 submitters: Likely benign (3). Last evaluated 2025-01-14.

Conditions:
Catecholaminergic polymorphic ventricular tachycardia (CVPT). Also called: Catecholamine-induced polymorphic ventricular tachycardia. Identifiers: Orphanet 3286, MedGen C5574922, MONDO:0017990.
Cardiomyopathy (CMYO). Also called: Cardiomyopathies. Identifiers: Orphanet 167848, MedGen C0878544, MONDO:0004994, HP:0001638. Inheritance: Various modes of inheritance.
Catecholaminergic polymorphic ventricular tachycardia 1. Also called: VENTRICULAR TACHYCARDIA, CATECHOLAMINERGIC POLYMORPHIC, 1, WITH OR WITHOUT ATRIAL DYSFUNCTION AND/OR DILATED CARDIOMYOPATHY; RYR2-Related Catecholaminergic Polymorphic Ventricular Tachycardia; VENTRICULAR TACHYCARDIA, STRESS-INDUCED POLYMORPHIC 1. Identifiers: Orphanet 3286, MedGen C1631597, MONDO:0011484, OMIM 604772.

Allele frequency attached by ClinVar (database versions not stated): gnomAD exomes below 0.00001.
gnomAD v4.1: 1 of 1,613,614 alleles (0.000062%); highest among the groups gnomAD compares: Non-Finnish European, 0.000085%; no homozygotes.

Submissions (3):

Labcorp Genetics (formerly Invitae), Labcorp
Classification: Likely benign for Catecholaminergic polymorphic ventricular tachycardia 1. Last evaluated: 2025-01-14. Review status: criteria provided, single submitter. Criteria: Invitae Variant Classification Sherloc (09022015). Collection method: clinical testing. Allele origin: germline.

All of Us Research Program, National Institutes of Health
Classification: Likely benign for Catecholaminergic polymorphic ventricular tachycardia. Last evaluated: 2023-10-06. Review status: criteria provided, single submitter. Criteria: ACMG Guidelines, 2015. Collection method: clinical testing. Allele origin: germline. Inheritance: Autosomal dominant inheritance. Observed: 3 variant alleles, 3 heterozygotes.
Comment: This study involves interpretation of variants in research participants for the purpose of population health screening. Participant phenotype was not available at the time of variant classification. Additional details can be found in publication PMID: 35346344, PMCID: PMC8962531

Color Diagnostics, LLC DBA Color Health
Classification: Likely benign for Cardiomyopathy. Last evaluated: 2018-11-29. Review status: criteria provided, single submitter. Criteria: ACMG Guidelines, 2015. Collection method: clinical testing. Allele origin: germline.